The following is an entry in ClinVar:

NM_020964.3(EPG5):c.5327G>C (p.Ser1776Thr)

Gene: EPG5 (ectopic P-granules 5 autophagy tethering factor; minus strand). Cytogenetic location: 18q12.3.
Variant type: single nucleotide variant.
Coding change: c.5327G>C on transcript NM_020964.3 (MANE Select); coding-DNA position 5327, G replaced by C.
Protein change: p.Ser1776Thr; replaces serine 1776 with threonine.
Molecular consequence: missense variant.
Genome position (GRCh38, 1-based): chr18:45,882,465, C>G on the plus strand (G>C on the coding strand, the complement: EPG5 is on the minus strand). VCF-style: chr18-45882465-C-G. GRCh37 (hg19) VCF-style: chr18-43462430-C-G.
Other names: c.5327G>C, p.Ser1776Thr (NM_001410858.1, NM_001410859.1); short protein forms S1776T.
Identifiers: ClinVar variation 2699312 (VCV002699312.3), dbSNP rs2511593318, ClinGen allele CA402344978.

ClinVar aggregate classification (germline): Uncertain significance (1 of 4 stars; one submission).

Conditions:
Vici syndrome (VICIS). Identifiers: Orphanet 1493, MedGen C1855772, MONDO:0009452, OMIM 242840.

Submission:

Labcorp Genetics (formerly Invitae), Labcorp
Classification: Uncertain significance for Vici syndrome. Last evaluated: 2023-11-27. Review status: criteria provided, single submitter. Criteria: Invitae Variant Classification Sherloc (09022015). Collection method: clinical testing. Allele origin: germline.
Comment: This sequence change replaces serine, which is neutral and polar, with threonine, which is neutral and polar, at codon 1776 of the EPG5 protein (p.Ser1776Thr). This variant is not present in population databases (gnomAD no frequency). This variant has not been reported in the literature in individuals affected with EPG5-related conditions. Advanced modeling of protein sequence and biophysical properties (such as structural, functional, and spatial information, amino acid conservation, physicochemical variation, residue mobility, and thermodynamic stability) performed at Invitae indicates that this missense variant is not expected to disrupt EPG5 protein function with a negative predictive value of 80%. In summary, the available evidence is currently insufficient to determine the role of this variant in disease. Therefore, it has been classified as a Variant of Uncertain Significance.